The following is an entry in ClinVar:

NM_004447.6(EPS8):c.951G>A (p.Thr317=)

Gene: EPS8 (EGFR pathway substrate 8, signaling adaptor; minus strand). Cytogenetic location: 12p12.3.
Variant type: single nucleotide variant.
Coding change: c.951G>A on transcript NM_004447.6 (MANE Select); coding-DNA position 951, G replaced by A.
Protein change: p.Thr317=; no amino-acid change (threonine 317 retained).
Molecular consequence: synonymous variant. On other transcripts: non-coding transcript variant (3).
Genome position (GRCh38, 1-based): chr12:15,658,572, C>T on the plus strand (G>A on the coding strand, the complement: EPS8 is on the minus strand). VCF-style: chr12-15658572-C-T. GRCh37 (hg19) VCF-style: chr12-15811506-C-T.
Other names: c.951G>A, p.Thr317= (NM_001413831.1, NM_001413832.1, NM_001413833.1 and 2 more transcripts); c.711G>A, p.Thr237= (NM_001413835.1, NM_001413836.1); c.534G>A, p.Thr178= (NM_001413837.1); c.171G>A, p.Thr57= (NM_001413838.1).
Identifiers: ClinVar variation 1901045 (VCV001901045.18), dbSNP rs975426224, ClinGen allele CA233363602.
Genomic context (GRCh38, chr12:15,658,572, plus strand): 5'-GTGTTTAAACTTTTGGAAACAGTCAAGAAATTCATCAGGAGGTGGAGGTTTTGCCCGCAG[C>T]GTTAAAACACCCTCTAATGAAATAAGCGAGAGGAGAGGATCAGAGCAAAATCCAAGGAAA-3'
Protein context (NP_004438.3, residues 307-327): KRKGPGEGVL[Thr317=]LRAKPPPPDE

ClinVar aggregate classification (germline): Likely benign. Review status: criteria provided, multiple submitters, no conflicts (2 of 4 stars). 2 submissions from 2 submitters: Likely benign (2). Last evaluated 2025-01-01.

gnomAD v4.1: 100 of 1,610,356 alleles (0.0062%); highest among the groups gnomAD compares: Non-Finnish European, 0.0074%; no homozygotes.

Submissions (2):

CeGaT Center for Human Genetics Tuebingen
Classification: Likely benign. Last evaluated: 2025-01-01. Review status: criteria provided, single submitter. Criteria: CeGaT Center For Human Genetics Tuebingen Variant Classification Criteria Version 2. Collection method: clinical testing. Allele origin: germline. Affected: yes. Observed: 1 variant allele.
Comment: EPS8: BP4, BP7

Labcorp Genetics (formerly Invitae), Labcorp
Classification: Likely benign. Last evaluated: 2022-09-30. Review status: criteria provided, single submitter. Criteria: Invitae Variant Classification Sherloc (09022015). Collection method: clinical testing. Allele origin: germline.